The following is an entry in ClinVar:

ClinVar aggregate classification (germline): Likely benign (1 of 4 stars; one submission).

Conditions:
NR0B2-related disorder. Also called: NR0B2-related condition.

Submission:

PreventionGenetics, part of Exact Sciences
Classification: Likely benign for NR0B2-related condition. Last evaluated: 2026-06-29. Review status: criteria provided, single submitter. Criteria: ACMG Guidelines, 2015. Collection method: clinical testing. Allele origin: germline.
Comment: This variant is classified as likely benign based on ACMG/AMP sequence variant interpretation guidelines (Richards et al. 2015 PMID: 25741868, with internal and published modifications).

NM_021969.3(NR0B2):c.54C>G (p.Pro18=)

Genes: NR0B2 (nuclear receptor subfamily 0 group B member 2; minus strand), NUDC (nuclear distribution C, dynein complex regulator; plus strand). Cytogenetic location: 1p36.11.
Variant type: single nucleotide variant.
Coding change: c.54C>G on transcript NM_021969.3 (MANE Select); coding-DNA position 54, C replaced by G.
Protein change: p.Pro18=; no amino-acid change (proline 18 retained).
Molecular consequence: synonymous variant.
Genome position (GRCh38, 1-based): chr1:26,913,887, G>C on the plus strand (C>G on the coding strand, the complement: NR0B2 is on the minus strand). VCF-style: chr1-26913887-G-C. GRCh37 (hg19) VCF-style: chr1-27240378-G-C.
Identifiers: ClinVar variation 4997063 (VCV004997063.1).